The following is an entry in ClinVar:

ClinVar aggregate classification (germline): Uncertain significance. Review status: criteria provided, multiple submitters, no conflicts (2 of 4 stars). 3 submissions from 3 submitters: Uncertain significance (3). Last evaluated 2025-09-01.

Allele frequency attached by ClinVar (database versions not stated): gnomAD exomes 0.00001 and 0.00003; gnomAD 0.00003; ExAC 0.00005; TOPMed 0.00005.
gnomAD v4.1: 7 of 1,546,480 alleles (0.00045%); highest among the groups gnomAD compares: African/African-American, 0.0069%; no homozygotes.

Submissions (3):

Labcorp Genetics (formerly Invitae), Labcorp
Classification: Uncertain significance. Last evaluated: 2025-09-01. Review status: criteria provided, single submitter. Criteria: Invitae Variant Classification Sherloc (09022015). Collection method: clinical testing. Allele origin: germline.
Comment: This sequence change falls in intron 8 of the PROM1 gene. It does not directly change the encoded amino acid sequence of the PROM1 protein. This variant is present in population databases (rs398124215, gnomAD 0.02%). This variant has not been reported in the literature in individuals affected with PROM1-related conditions. ClinVar contains an entry for this variant (Variation ID: 95328). Algorithms developed to predict the effect of sequence changes on RNA splicing suggest that this variant may create or strengthen a splice site. In summary, the available evidence is currently insufficient to determine the role of this variant in disease. Therefore, it has been classified as a Variant of Uncertain Significance.

Blueprint Genetics
Classification: Uncertain significance. Last evaluated: 2022-09-20. Review status: criteria provided, single submitter. Criteria: ACMG Guidelines, 2015. Collection method: clinical testing. Allele origin: germline.

Eurofins Ntd Llc (ga)
Classification: Uncertain significance. Last evaluated: 2013-09-24. Review status: criteria provided, single submitter. Criteria: EGL Classification Definitions 2015. Collection method: clinical testing. Allele origin: germline. Observed: 1 variant allele, 1 heterozygote.

NM_006017.3(PROM1):c.1003-6T>G

Gene: PROM1 (prominin 1; minus strand). Cytogenetic location: 4p15.32.
Variant type: single nucleotide variant.
Coding change: c.1003-6T>G on transcript NM_006017.3 (MANE Select); 6 bases into the intron before coding-DNA position 1003, T replaced by G.
Molecular consequence: intron variant.
Genome position (GRCh38, 1-based): chr4:16,016,246, A>C on the plus strand (T>G on the coding strand, the complement: PROM1 is on the minus strand). VCF-style: chr4-16016246-A-C. GRCh37 (hg19) VCF-style: chr4-16017869-A-C.
Other names: c.976-6T>G (NM_001145848.2, NM_001145852.2, NM_001145847.2 and 4 more transcripts); c.1003-6T>G (NM_001145850.2, NM_001145849.2).
Identifiers: ClinVar variation 95328 (VCV000095328.14), dbSNP rs398124215, ClinGen allele CA222907.